The following is an entry in ClinVar:

ClinVar aggregate classification (germline): Benign. Review status: criteria provided, single submitter (1 of 4 stars). 2 submissions from 2 submitters: Benign (1). 1 of the submissions does not count toward it. Last evaluated 2026-01-20.

Conditions:
PIK3C2A-related disorder. Also called: PIK3C2A-related condition.

Allele frequency attached by ClinVar (database versions not stated): 1000 Genomes Project 30x 0.00031; 1000 Genomes Project 0.00040; ExAC 0.00083; gnomAD 0.00089; gnomAD exomes 0.00090; ESP Exome Variant Server 0.00092; TOPMed 0.00122.
gnomAD v4.1: 1,445 of 1,573,424 alleles (0.092%); highest among the groups gnomAD compares: Admixed American, 0.19%; 2 homozygotes.

Submissions (2):

Labcorp Genetics (formerly Invitae), Labcorp
Classification: Benign. Last evaluated: 2026-01-20. Review status: criteria provided, single submitter. Criteria: Invitae Variant Classification Sherloc (09022015). Collection method: clinical testing. Allele origin: germline.

PreventionGenetics, part of Exact Sciences
Classification: Likely benign for PIK3C2A-related condition. Last evaluated: 2020-01-17. Review status: no assertion criteria provided. Collection method: clinical testing. Allele origin: germline. Not counted in ClinVar's aggregate classification.
Comment: This variant is classified as likely benign based on ACMG/AMP sequence variant interpretation guidelines (Richards et al. 2015 PMID: 25741868, with internal and published modifications).

NM_002645.4(PIK3C2A):c.1068A>G (p.Lys356=)

Gene: PIK3C2A (phosphatidylinositol-4-phosphate 3-kinase catalytic subunit type 2 alpha; minus strand). Cytogenetic location: 11p15.1.
Variant type: single nucleotide variant.
Coding change: c.1068A>G on transcript NM_002645.4 (MANE Select); coding-DNA position 1068, A replaced by G.
Protein change: p.Lys356=; no amino-acid change (lysine 356 retained).
Molecular consequence: synonymous variant. On other transcripts: 5 prime UTR variant (1).
Genome position (GRCh38, 1-based): chr11:17,155,627, T>C on the plus strand (A>G on the coding strand, the complement: PIK3C2A is on the minus strand). VCF-style: chr11-17155627-T-C. GRCh37 (hg19) VCF-style: chr11-17177174-T-C.
Other names: c.1068A>G, p.Lys356= (NM_001321378.2, NM_001386870.1); c.-73A>G (NM_001321380.2); c.1068A>G (NM_001321378.1).
Identifiers: ClinVar variation 2038542 (VCV002038542.6), dbSNP rs61755369, ClinGen allele CA5901447.